The following is an entry in ClinVar:

ClinVar aggregate classification (germline): Uncertain significance. Review status: criteria provided, multiple submitters, no conflicts (2 of 4 stars). 2 submissions from 2 submitters: Uncertain significance (2). Last evaluated 2024-12-06.

Conditions:
Inborn genetic diseases. Identifiers: MedGen C0950123, MeSH D030342.
Fanconi anemia (FA). Also called: Fanconi's anemia. Identifiers: Orphanet 84, MedGen C0015625, MeSH D005199, MONDO:0019391.

Allele frequency attached by ClinVar (database versions not stated): ExAC 0.00001; gnomAD 0.00001; gnomAD exomes 0.00001; TOPMed 0.00001.
gnomAD v4.1: 8 of 1,613,950 alleles (0.0005%); highest among the groups gnomAD compares: Non-Finnish European, 0.00068%; no homozygotes.

Submissions (2):

Ambry Genetics
Classification: Uncertain significance for Inborn genetic diseases. Last evaluated: 2024-12-06. Review status: criteria provided, single submitter. Criteria: Ambry Variant Classification Scheme 2023. Collection method: clinical testing. Allele origin: germline.
Comment: The p.P806S variant (also known as c.2416C>T), located in coding exon 26 of the FANCA gene, results from a C to T substitution at nucleotide position 2416. The proline at codon 806 is replaced by serine, an amino acid with similar properties. This amino acid position is conserved. In addition, this alteration is predicted to be tolerated by in silico analysis. Based on the available evidence, the clinical significance of this variant remains unclear.

Labcorp Genetics (formerly Invitae), Labcorp
Classification: Uncertain significance for Fanconi anemia. Last evaluated: 2024-06-08. Review status: criteria provided, single submitter. Criteria: Invitae Variant Classification Sherloc (09022015). Collection method: clinical testing. Allele origin: germline.
Comment: This sequence change replaces proline, which is neutral and non-polar, with serine, which is neutral and polar, at codon 806 of the FANCA protein (p.Pro806Ser). This variant is present in population databases (rs747545118, gnomAD 0.0009%). This variant has not been reported in the literature in individuals affected with FANCA-related conditions. Advanced modeling of protein sequence and biophysical properties (such as structural, functional, and spatial information, amino acid conservation, physicochemical variation, residue mobility, and thermodynamic stability) performed at Invitae indicates that this missense variant is not expected to disrupt FANCA protein function with a negative predictive value of 80%. In summary, the available evidence is currently insufficient to determine the role of this variant in disease. Therefore, it has been classified as a Variant of Uncertain Significance.

NM_000135.4(FANCA):c.2416C>T (p.Pro806Ser)

Gene: FANCA (FA complementation group A; minus strand). Cytogenetic location: 16q24.3.
Variant type: single nucleotide variant.
Coding change: c.2416C>T on transcript NM_000135.4 (MANE Select); coding-DNA position 2416, C replaced by T.
Protein change: p.Pro806Ser; replaces proline 806 with serine.
Molecular consequence: missense variant.
Genome position (GRCh38, 1-based): chr16:89,769,925, G>A on the plus strand (C>T on the coding strand, the complement: FANCA is on the minus strand). VCF-style: chr16-89769925-G-A. GRCh37 (hg19) VCF-style: chr16-89836333-G-A.
Other names: c.2416C>T, p.Pro806Ser (NM_001286167.3); short protein forms P806S.
Identifiers: ClinVar variation 2738047 (VCV002738047.4), dbSNP rs747545118, ClinGen allele CA8251732.